The following is an entry in ClinVar:

NM_177438.3(DICER1):c.4401C>T (p.Ile1467=)

Gene: DICER1 (dicer 1, ribonuclease III; minus strand). Cytogenetic location: 14q32.13.
Variant type: single nucleotide variant.
Coding change: c.4401C>T on transcript NM_177438.3 (MANE Select); coding-DNA position 4401, C replaced by T.
Protein change: p.Ile1467=; no amino-acid change (isoleucine 1467 retained).
Molecular consequence: synonymous variant.
Genome position (GRCh38, 1-based): chr14:95,096,519, G>A on the plus strand (C>T on the coding strand, the complement: DICER1 is on the minus strand). VCF-style: chr14-95096519-G-A. GRCh37 (hg19) VCF-style: chr14-95562856-G-A.
Other names: c.4401C>T, p.Ile1467= (NM_001195573.1, NM_001271282.3, NM_001291628.2 and 1 more transcripts).
Identifiers: ClinVar variation 477201 (VCV000477201.25), dbSNP rs530896743, ClinGen allele CA7330857.

ClinVar aggregate classification (germline): Benign/Likely benign. Review status: criteria provided, multiple submitters, no conflicts (2 of 4 stars). 5 submissions from 5 submitters: Benign (1); Likely benign (4). Last evaluated 2026-04-20.

Conditions:
Hereditary cancer-predisposing syndrome. Also called: Hereditary neoplastic syndrome; Neoplastic Syndromes, Hereditary; Hereditary Cancer Syndrome; Tumor predisposition. Identifiers: Orphanet 140162, MedGen C0027672, MeSH D009386, MONDO:0015356.
DICER1-related tumor predisposition. Also called: DICER1-related pleuropulmonary blastoma cancer predisposition syndrome; DICER1 syndrome. Identifiers: Orphanet 284343, MedGen C3839822, MONDO:0100216.

Allele frequency attached by ClinVar (database versions not stated): gnomAD exomes 0.00002 and 0.00001; gnomAD 0.00001; 1000 Genomes Project 0.00020; 1000 Genomes Project 30x 0.00031; ExAC 0.00002.
gnomAD v4.1: 13 of 1,614,028 alleles (0.00081%); highest among the groups gnomAD compares: Middle Eastern, 0.033%; 1 homozygote.

Submissions (5):

Myriad Genetics, Inc.
Classification: Benign for DICER1-related tumor predisposition. Last evaluated: 2026-04-20. Review status: criteria provided, single submitter. Criteria: Myriad Autosomal Dominant, Autosomal Recessive and X-Linked Classification Criteria (2023). Collection method: clinical testing. Allele origin: unknown.
Comment: This variant is considered benign. This variant is a silent/synonymous amino acid change and it is not expected to impact splicing.

Labcorp Genetics (formerly Invitae), Labcorp
Classification: Likely benign for DICER1-related tumor predisposition. Last evaluated: 2025-12-04. Review status: criteria provided, single submitter. Criteria: Invitae Variant Classification Sherloc (09022015). Collection method: clinical testing. Allele origin: germline.

Center for Genomic Medicine, Rigshospitalet, Copenhagen University Hospital
Classification: Likely benign. Last evaluated: 2025-03-04. Review status: criteria provided, single submitter. Criteria: ACMG Guidelines, 2015. Collection method: clinical testing. Allele origin: germline.

Quest Diagnostics Nichols Institute San Juan Capistrano
Classification: Likely benign. Last evaluated: 2022-10-28. Review status: criteria provided, single submitter. Criteria: Quest Diagnostics criteria. Collection method: clinical testing. Allele origin: unknown.

Ambry Genetics
Classification: Likely benign for Hereditary cancer-predisposing syndrome. Last evaluated: 2019-08-16. Review status: criteria provided, single submitter. Criteria: Ambry Variant Classification Scheme 2023. Collection method: clinical testing. Allele origin: germline.